The following is an entry in ClinVar:

NM_001297.5(CNGB1):c.3665C>T (p.Ser1222Leu)

Gene: CNGB1 (cyclic nucleotide gated channel subunit beta 1; minus strand). Cytogenetic location: 16q21.
Variant type: single nucleotide variant.
Coding change: c.3665C>T on transcript NM_001297.5 (MANE Select); coding-DNA position 3665, C replaced by T.
Protein change: p.Ser1222Leu; replaces serine 1222 with leucine.
Molecular consequence: missense variant.
Genome position (GRCh38, 1-based): chr16:57,884,255, G>A on the plus strand (C>T on the coding strand, the complement: CNGB1 is on the minus strand). VCF-style: chr16-57884255-G-A. GRCh37 (hg19) VCF-style: chr16-57918159-G-A.
Other names: c.3647C>T, p.Ser1216Leu (NM_001286130.2); short protein forms S1222L, S1216L.
Identifiers: ClinVar variation 2201964 (VCV002201964.4), dbSNP rs1959841067, ClinGen allele CA396059377.
Genomic context (GRCh38, chr16:57,884,255, plus strand): 5'-ATCTTCACCGACAGGATCTGCTCTCCCGGCTCCGGGCCCGGGCTCATGCAGATCCTCACC[G>A]AGTGCTCTTCGGGCTCGGCCGGCCCCTCCTCCTCTCCCTCCGGCCTCCCAAGGGAGGCAG-3'
Protein context (NP_001288.3, residues 1212-1232): EEGPAEPEEH[Ser1222Leu]VRICMSPGPE

ClinVar aggregate classification (germline): Uncertain significance. Review status: criteria provided, multiple submitters, no conflicts (2 of 4 stars). 2 submissions from 2 submitters: Uncertain significance (2). Last evaluated 2024-08-14.

Allele frequency attached by ClinVar (database versions not stated): TOPMed below 0.00001.
gnomAD v4.1: 10 of 1,613,802 alleles (0.00062%); highest among the groups gnomAD compares: Admixed American, 0.0017%; no homozygotes.

Submissions (2):

Blueprint Genetics
Classification: Uncertain significance. Last evaluated: 2024-08-14. Review status: criteria provided, single submitter. Criteria: ACMG Guidelines, 2015. Collection method: clinical testing. Allele origin: germline.

Labcorp Genetics (formerly Invitae), Labcorp
Classification: Uncertain significance. Last evaluated: 2022-02-08. Review status: criteria provided, single submitter. Criteria: Invitae Variant Classification Sherloc (09022015). Collection method: clinical testing. Allele origin: germline.
Comment: This variant is not present in population databases (gnomAD no frequency). In summary, the available evidence is currently insufficient to determine the role of this variant in disease. Therefore, it has been classified as a Variant of Uncertain Significance. Advanced modeling of protein sequence and biophysical properties (such as structural, functional, and spatial information, amino acid conservation, physicochemical variation, residue mobility, and thermodynamic stability) performed at Invitae indicates that this missense variant is not expected to disrupt CNGB1 protein function. This variant has not been reported in the literature in individuals affected with CNGB1-related conditions. This sequence change replaces serine, which is neutral and polar, with leucine, which is neutral and non-polar, at codon 1222 of the CNGB1 protein (p.Ser1222Leu).